The following is an entry in ClinVar:

NM_001916.5(CYC1):c.253A>G (p.Ser85Gly)

Gene: CYC1 (cytochrome c1; plus strand). Cytogenetic location: 8q24.3.
Variant type: single nucleotide variant.
Coding change: c.253A>G on transcript NM_001916.5 (MANE Select); coding-DNA position 253, A replaced by G.
Protein change: p.Ser85Gly; replaces serine 85 with glycine.
Molecular consequence: missense variant.
Genome position (GRCh38, 1-based): chr8:144,095,956, A>G. VCF-style: chr8-144095956-A-G. GRCh37 (hg19) VCF-style: chr8-145150859-A-G.
Other names: short protein forms S85G.
Identifiers: ClinVar variation 2008853 (VCV002008853.4), dbSNP rs1836141789, ClinGen allele CA372519714.

ClinVar aggregate classification (germline): Uncertain significance (1 of 4 stars; one submission).

Allele frequency attached by ClinVar (database versions not stated): gnomAD exomes below 0.00001; TOPMed below 0.00001; gnomAD 0.00001.
gnomAD v4.1: 3 of 1,608,196 alleles (0.00019%); highest among the groups gnomAD compares: South Asian, 0.0022%; no homozygotes.

Submission:

Labcorp Genetics (formerly Invitae), Labcorp
Classification: Uncertain significance. Last evaluated: 2023-03-10. Review status: criteria provided, single submitter. Criteria: Invitae Variant Classification Sherloc (09022015). Collection method: clinical testing. Allele origin: germline.
Comment: This sequence change replaces serine, which is neutral and polar, with glycine, which is neutral and non-polar, at codon 85 of the CYC1 protein (p.Ser85Gly). This variant is not present in population databases (gnomAD no frequency). This variant has not been reported in the literature in individuals affected with CYC1-related conditions. ClinVar contains an entry for this variant (Variation ID: 2008853). Advanced modeling of protein sequence and biophysical properties (such as structural, functional, and spatial information, amino acid conservation, physicochemical variation, residue mobility, and thermodynamic stability) performed at Invitae indicates that this missense variant is not expected to disrupt CYC1 protein function. In summary, the available evidence is currently insufficient to determine the role of this variant in disease. Therefore, it has been classified as a Variant of Uncertain Significance.